The following is an entry in ClinVar:

ClinVar aggregate classification (germline): Uncertain significance (1 of 4 stars; one submission).

gnomAD v4.1: 5 of 1,613,718 alleles (0.00031%); highest among the groups gnomAD compares: Non-Finnish European, 0.00042%; no homozygotes.

Submission:

Labcorp Genetics (formerly Invitae), Labcorp
Classification: Uncertain significance. Last evaluated: 2025-07-23. Review status: criteria provided, single submitter. Criteria: Invitae Variant Classification Sherloc (09022015). Collection method: clinical testing. Allele origin: germline.
Comment: This sequence change replaces methionine, which is neutral and non-polar, with threonine, which is neutral and polar, at codon 219 of the LBR protein (p.Met219Thr). This variant is present in population databases (rs2230421, gnomAD 0.002%). This variant has not been reported in the literature in individuals affected with LBR-related conditions. ClinVar contains an entry for this variant (Variation ID: 3670368). Invitae Evidence Modeling of protein sequence and biophysical properties (such as structural, functional, and spatial information, amino acid conservation, physicochemical variation, residue mobility, and thermodynamic stability) indicates that this missense variant is not expected to disrupt LBR protein function with a negative predictive value of 80%. In summary, the available evidence is currently insufficient to determine the role of this variant in disease. Therefore, it has been classified as a Variant of Uncertain Significance.

NM_002296.4(LBR):c.656T>C (p.Met219Thr)

Gene: LBR (lamin B receptor; minus strand). Cytogenetic location: 1q42.12.
Variant type: single nucleotide variant.
Coding change: c.656T>C on transcript NM_002296.4 (MANE Select); coding-DNA position 656, T replaced by C.
Protein change: p.Met219Thr; replaces methionine 219 with threonine.
Molecular consequence: missense variant.
Genome position (GRCh38, 1-based): chr1:225,418,165, A>G on the plus strand (T>C on the coding strand, the complement: LBR is on the minus strand). VCF-style: chr1-225418165-A-G. GRCh37 (hg19) VCF-style: chr1-225605867-A-G.
Other names: c.656T>C, p.Met219Thr (NM_194442.3); short protein forms M219T.
Identifiers: ClinVar variation 3670368 (VCV003670368.2).